The following is an entry in ClinVar:

ClinVar aggregate classification (germline): Likely benign (1 of 4 stars; one submission).

gnomAD v4.1: 1 of 1,608,782 alleles (0.000062%); highest among the groups gnomAD compares: East Asian, 0.0022%; no homozygotes.

Submission:

CeGaT Center for Human Genetics Tuebingen
Classification: Likely benign. Last evaluated: 2025-12-01. Review status: criteria provided, single submitter. Criteria: CeGaT Center For Human Genetics Tuebingen Variant Classification Criteria Version 2. Collection method: clinical testing. Allele origin: germline. Affected: yes. Observed: 1 variant allele.
Comment: DNAH17: BP4, BP7

NM_173628.4(DNAH17):c.12744G>T (p.Ser4248=)

Gene: DNAH17 (dynein axonemal heavy chain 17; minus strand). Cytogenetic location: 17q25.3.
Variant type: single nucleotide variant.
Coding change: c.12744G>T on transcript NM_173628.4 (MANE Select); coding-DNA position 12744, G replaced by T.
Protein change: p.Ser4248=; no amino-acid change (serine 4248 retained).
Molecular consequence: synonymous variant.
Genome position (GRCh38, 1-based): chr17:78,426,953, C>A on the plus strand (G>T on the coding strand, the complement: DNAH17 is on the minus strand). VCF-style: chr17-78426953-C-A. GRCh37 (hg19) VCF-style: chr17-76423034-C-A.
Identifiers: ClinVar variation 4681999 (VCV004681999.5).